The following is an entry in ClinVar:

NM_206933.4(USH2A):c.485_485+2del

Gene: USH2A (usherin; minus strand). Cytogenetic location: 1q41.
Variant type: Deletion.
Coding change: c.485_485+2del on transcript NM_206933.4 (MANE Select); coding-DNA position 485 through the canonical splice donor site of the intron after coding-DNA position 485, 3 bases deleted (TGT; older notation c.485_485+2delTGT).
Molecular consequence: splice donor variant.
Genome position (GRCh38, 1-based): chr1:216,421,850-216,421,852, ACA deleted on the plus strand (TGT on the coding strand, the reverse complement: USH2A is on the minus strand). VCF-style (leftmost placement, unchanged base first): chr1-216421849-TACA-T. GRCh37 (hg19) VCF-style: chr1-216595191-TACA-T.
Other names: c.485_485+2del (NM_007123.6).
Identifiers: ClinVar variation 2121758 (VCV002121758.4), dbSNP rs1279013275, ClinGen allele CA731381018.

ClinVar aggregate classification (germline): Likely pathogenic (1 of 4 stars; one submission).

Allele frequency attached by ClinVar (database versions not stated): TOPMed below 0.00001.

Submission:

Labcorp Genetics (formerly Invitae), Labcorp
Classification: Likely pathogenic. Last evaluated: 2022-04-05. Review status: criteria provided, single submitter. Criteria: Invitae Variant Classification Sherloc (09022015). Collection method: clinical testing. Allele origin: germline.
Comment: This variant results in the deletion of part of exon 2 (c.485_485+2del) of the USH2A gene. It is expected to disrupt RNA splicing. Variants that disrupt the donor or acceptor splice site typically lead to a loss of protein function (PMID: 16199547), and loss-of-function variants in USH2A are known to be pathogenic (PMID: 10729113, 10909849, 20507924, 25649381). In summary, the currently available evidence indicates that the variant is pathogenic, but additional data are needed to prove that conclusively. Therefore, this variant has been classified as Likely Pathogenic. Algorithms developed to predict the effect of sequence changes on RNA splicing suggest that this variant may disrupt the consensus splice site. This variant has not been reported in the literature in individuals affected with USH2A-related conditions. This variant is not present in population databases (gnomAD no frequency).

Literature cited by the submitters: PubMed 16199547; PubMed 10729113; PubMed 10909849; PubMed 20507924; PubMed 25649381.